The following is an entry in ClinVar:

NM_001673.5(ASNS):c.1111dup (p.Thr371fs)

Genes: ASNS (asparagine synthetase (glutamine-hydrolyzing); minus strand), CZ1P-ASNS (CZ1P-ASNS readthrough; minus strand). Cytogenetic location: 7q21.3.
Variant type: Duplication.
Coding change: c.1111dup on transcript NM_001673.5 (MANE Select); coding-DNA position 1111, one base duplicated (A; older notation c.1111dupA).
Protein change: p.Thr371fs; shifts the reading frame from threonine 371.
Molecular consequence: frameshift variant. On other transcripts: non-coding transcript variant (1).
Genome position (GRCh38, 1-based): chr7:97,855,379, T duplicated on the plus strand (A on the coding strand, the reverse complement: ASNS is on the minus strand). VCF-style (leftmost placement, unchanged base first): chr7-97855378-G-GT. GRCh37 (hg19) VCF-style: chr7-97484690-G-GT.
Other names: c.1048dup, p.Thr350fs (NM_001178075.2); c.862dup, p.Thr288fs (NM_001178076.2, NM_001178077.1); c.1111dup, p.Thr371fs (NM_001352496.2, NM_133436.3, NM_183356.4); short protein forms T288fs, T350fs, T371fs.
Identifiers: ClinVar variation 5010851 (VCV005010851.1).

ClinVar aggregate classification (germline): Pathogenic (1 of 4 stars; one submission).

Conditions:
Congenital microcephaly - severe encephalopathy - progressive cerebral atrophy syndrome. Also called: ASNS DEFICIENCY; Asparagine synthetase deficiency. Identifiers: Orphanet 391376, MedGen C3809971, MONDO:0014258, OMIM 615574.

Submission:

Myriad Genetics, Inc.
Classification: Pathogenic for Congenital microcephaly - severe encephalopathy - progressive cerebral atrophy syndrome. Last evaluated: 2024-05-14. Review status: criteria provided, single submitter. Criteria: Myriad Autosomal Dominant, Autosomal Recessive and X-Linked Classification Criteria (2023). Collection method: clinical testing. Allele origin: unknown.
Comment: NM_001673.4(ASNS):c.1111dupA(T371Nfs*14) is expected to be pathogenic in the context of asparagine synthetase deficiency. This variant is predicted to lead to an abnormal or absent protein product due to the creation of a premature termination codon in ASNS, a gene where loss-of-function variants are known to be pathogenic. Please note: this variant was assessed in the context of healthy population screening.